The following is an entry in ClinVar:

ClinVar aggregate classification (germline): Uncertain significance (1 of 4 stars; one submission).

Conditions:
Primary pulmonary hypertension. Also called: Idiopathic pulmonary hypertension. Identifiers: MedGen C0152171.

gnomAD v4.1: 3 of 1,559,060 alleles (0.00019%); highest among the groups gnomAD compares: Non-Finnish European, 0.00027%; no homozygotes.

Submission:

Labcorp Genetics (formerly Invitae), Labcorp
Classification: Uncertain significance for Primary pulmonary hypertension. Last evaluated: 2025-12-04. Review status: criteria provided, single submitter. Criteria: Invitae Variant Classification Sherloc (09022015). Collection method: clinical testing. Allele origin: germline.
Comment: This sequence change replaces isoleucine, which is neutral and non-polar, with threonine, which is neutral and polar, at codon 88 of the BMPR2 protein (p.Ile88Thr). This variant is present in population databases (no rsID available, gnomAD 0.0009%). This variant has not been reported in the literature in individuals affected with BMPR2-related conditions. Invitae Evidence Modeling of protein sequence and biophysical properties (such as structural, functional, and spatial information, amino acid conservation, physicochemical variation, residue mobility, and thermodynamic stability) indicates that this missense variant is not expected to disrupt BMPR2 protein function with a negative predictive value of 95%. In summary, the available evidence is currently insufficient to determine the role of this variant in disease. Therefore, it has been classified as a Variant of Uncertain Significance.

NM_001204.7(BMPR2):c.263T>C (p.Ile88Thr)

Gene: BMPR2 (bone morphogenetic protein receptor type 2; plus strand). Cytogenetic location: 2q33.1.
Variant type: single nucleotide variant.
Coding change: c.263T>C on transcript NM_001204.7 (MANE Select); coding-DNA position 263, T replaced by C.
Protein change: p.Ile88Thr; replaces isoleucine 88 with threonine.
Molecular consequence: missense variant.
Genome position (GRCh38, 1-based): chr2:202,467,534, T>C. VCF-style: chr2-202467534-T-C. GRCh37 (hg19) VCF-style: chr2-203332257-T-C.
Other names: short protein forms I88T.
Identifiers: ClinVar variation 4750188 (VCV004750188.1).